The following is an entry in ClinVar:

NM_000135.4(FANCA):c.3099C>A (p.Asp1033Glu)

Gene: FANCA (FA complementation group A; minus strand). Cytogenetic location: 16q24.3.
Variant type: single nucleotide variant.
Coding change: c.3099C>A on transcript NM_000135.4 (MANE Select); coding-DNA position 3099, C replaced by A.
Protein change: p.Asp1033Glu; replaces aspartic acid 1033 with glutamic acid.
Molecular consequence: missense variant.
Genome position (GRCh38, 1-based): chr16:89,749,870, G>T on the plus strand (C>A on the coding strand, the complement: FANCA is on the minus strand). VCF-style: chr16-89749870-G-T. GRCh37 (hg19) VCF-style: chr16-89816278-G-T.
Other names: p.Asp1033Glu; c.3099C>A (LRG_495t1, NM_000135.3); c.3099C>A, p.Asp1033Glu (NM_001286167.3); short protein forms D1033E.
Identifiers: ClinVar variation 408176 (VCV000408176.52), dbSNP rs139289675, ClinGen allele CA8251332.

ClinVar aggregate classification (germline): Conflicting classifications of pathogenicity. Review status: criteria provided, conflicting classifications (1 of 4 stars). 14 submissions from 14 submitters: Uncertain significance (8); Likely benign (2). 4 of the submissions do not count toward it. Last evaluated 2026-01-18.

Conditions:
FANCA-related disorder. Also called: FANCA-related condition.
Fanconi anemia (FA). Also called: Fanconi's anemia. Identifiers: Orphanet 84, MedGen C0015625, MeSH D005199, MONDO:0019391.
Fanconi anemia complementation group A (FANCA). Also called: FANCA-Related Fanconi Anemia; Fanconi anemia, group A. Identifiers: Orphanet 84, MedGen C3469521, MONDO:0009215, OMIM 227650.

Allele frequency attached by ClinVar (database versions not stated): ESP Exome Variant Server 0.00008; gnomAD 0.00010 and 0.00011; TOPMed 0.00013; ExAC 0.00014.
gnomAD v4.1: 198 of 1,614,220 alleles (0.012%); highest among the groups gnomAD compares: Middle Eastern, 0.083%; 1 homozygote.

Submissions (14):

Labcorp Genetics (formerly Invitae), Labcorp
Classification: Likely benign for Fanconi anemia. Last evaluated: 2026-01-18. Review status: criteria provided, single submitter. Criteria: Invitae Variant Classification Sherloc (09022015). Collection method: clinical testing. Allele origin: germline.

Quest Diagnostics Nichols Institute San Juan Capistrano
Classification: Uncertain significance. Last evaluated: 2025-03-05. Review status: criteria provided, single submitter. Criteria: Quest Diagnostics criteria. Collection method: clinical testing. Allele origin: unknown.
Comment: The FANCA c.3099C>A (p.Asp1033Glu) variant has been reported in individuals undergoing cancer testing (PMID: 28717660 (2017)). The frequency of this variant in the general population (Genome Aggregation Database) is uninformative in the assessment of its pathogenicity. Analysis of this variant using bioinformatics tools (i.e., MutationTaster and PolyPhen-2) for the prediction of the effect of amino acid changes on protein structure and function yielded predictions that this variant is benign. Based on the available information, we are unable to determine the clinical significance of this variant.

Blueprint Genetics
Classification: Uncertain significance. Last evaluated: 2024-11-25. Review status: criteria provided, single submitter. Criteria: ACMG Guidelines, 2015. Collection method: clinical testing. Allele origin: germline.

CeGaT Center for Human Genetics Tuebingen
Classification: Likely benign. Last evaluated: 2024-08-01. Review status: criteria provided, single submitter. Criteria: CeGaT Center For Human Genetics Tuebingen Variant Classification Criteria Version 2. Collection method: clinical testing. Allele origin: germline. Affected: yes. Observed: 3 variant alleles.
Comment: FANCA: BP4

Fulgent Genetics
Classification: Uncertain significance for Fanconi anemia complementation group A. Last evaluated: 2024-02-23. Review status: criteria provided, single submitter. Criteria: ACMG Guidelines, 2015. Collection method: clinical testing. Allele origin: germline.

Mayo Clinic Laboratories, Mayo Clinic
Classification: Uncertain significance. Last evaluated: 2023-03-02. Review status: criteria provided, single submitter. Criteria: ACMG Guidelines, 2015. Collection method: clinical testing. Allele origin: germline. Observed: 1 variant allele.
Comment: BP4

St. Jude Molecular Pathology, St. Jude Children's Research Hospital
Classification: Uncertain significance for Fanconi anemia complementation group A. Last evaluated: 2022-05-03. Review status: criteria provided, single submitter. Criteria: St. Jude Assertion Criteria 2020. Collection method: clinical testing. Allele origin: germline.
Comment: The FANCA c.3099C>A (p.Asp1033Glu) missense change has a maximum subpopulation frequency of 0.034% in gnomAD v2.1.1 including 1 homozygote. It is predicted to have a benign effect on protein function (BP4), but to our knowledge this prediction has not been confirmed by functional studies. To our knowledge, this variant has not been reported in individuals with Fanconi anemia. In summary, this variant meets criteria to be classified as of uncertain significance based on the ACMG/AMP criteria: BP4.

Sema4
Classification: Uncertain significance for Fanconi anemia. Last evaluated: 2021-07-12. Review status: criteria provided, single submitter. Criteria: Sema4 Curation Guidelines. Collection method: curation. Allele origin: germline.
Comment: The FANCA c.3099C>A (p.D1033E) variant has not been reported in the literature to our knowledge. It was observed in 41/282878 chromosomes, including 1 homozygote, in the large and broad cohorts of the Genome Aggregation Database (PMID: 32461654). The variant has been reported in ClinVar (Variation ID: 408176). Functional studies have not been performed and in silico tool predictions of the variants effect on protein function are inconclusive. The evidence is insufficient to meet ACMG/AMP criteria for classifying the variant as benign or pathogenic. Thus, the clinical significance of this variant is currently uncertain.

Revvity Omics, Revvity
Classification: Uncertain significance for Fanconi anemia complementation group A. Last evaluated: 2020-12-04. Review status: criteria provided, single submitter. Criteria: ACMG Guidelines, 2015. Collection method: clinical testing. Allele origin: germline.

Baylor Genetics
Classification: Uncertain significance for Fanconi anemia complementation group A. Last evaluated: 2020-11-18. Review status: criteria provided, single submitter. Criteria: ACMG Guidelines, 2015. Collection method: clinical testing. Allele origin: unknown. Affected: yes. Study: CSER-TexasKidsCanSeq.
Comment: This variant was determined to be of uncertain significance according to ACMG Guidelines, 2015 [PMID:25741868].

PreventionGenetics, part of Exact Sciences
Classification: Uncertain significance for FANCA-related condition. Last evaluated: 2023-11-28. Review status: no assertion criteria provided. Collection method: clinical testing. Allele origin: germline. Not counted in ClinVar's aggregate classification.
Comment: The FANCA c.3099C>A variant is predicted to result in the amino acid substitution p.Asp1033Glu. To our knowledge, this variant has not been reported in the literature. This variant is reported in 0.034% of alleles in individuals of Latino descent in gnomAD, and it has conflicting interpretations of likely benign and uncertain in the ClinVar database. At this time, the clinical significance of this variant is uncertain due to the absence of conclusive functional and genetic evidence.

Natera, Inc.
Classification: Uncertain significance for Fanconi anemia, group A. Last evaluated: 2019-12-31. Review status: no assertion criteria provided. Collection method: clinical testing. Allele origin: germline. Not counted in ClinVar's aggregate classification.

Clinical Genetics DNA and cytogenetics Diagnostics Lab, Erasmus MC, Erasmus Medical Center
Classification: Likely benign. Review status: no assertion criteria provided. Collection method: clinical testing. Allele origin: germline. Affected: yes. Study: VKGL Data-share Consensus. Not counted in ClinVar's aggregate classification.

Laboratory of Diagnostic Genome Analysis, Leiden University Medical Center (LUMC)
Classification: Likely benign. Review status: no assertion criteria provided. Collection method: clinical testing. Allele origin: germline. Affected: yes. Study: VKGL Data-share Consensus. Not counted in ClinVar's aggregate classification.

Literature cited by the submitters: PubMed 28717660 (cited by Quest Diagnostics Nichols Institute San Juan Capistrano).